The following is an entry in ClinVar:

NM_000258.3(MYL3):c.489G>T (p.Arg163Ser)

Gene: MYL3 (myosin light chain 3; minus strand). Cytogenetic location: 3p21.31.
Variant type: single nucleotide variant.
Coding change: c.489G>T on transcript NM_000258.3 (MANE Select); coding-DNA position 489, G replaced by T.
Protein change: p.Arg163Ser; replaces arginine 163 with serine.
Molecular consequence: missense variant. On other transcripts: intron variant (1).
Genome position (GRCh38, 1-based): chr3:46,858,454, C>A on the plus strand (G>T on the coding strand, the complement: MYL3 is on the minus strand). VCF-style: chr3-46858454-C-A. GRCh37 (hg19) VCF-style: chr3-46899944-C-A.
Other names: c.489G>T, p.Arg163Ser (NM_001406937.1, NM_001406938.1, NM_001406939.1); c.315G>T, p.Arg105Ser (NM_001406940.1); c.308-8G>T (NM_001406941.1); short protein forms R163S, R105S.
Identifiers: ClinVar variation 5006624 (VCV005006624.2).
Genomic context (GRCh38, chr3:46,858,454, plus strand): 5'-GATGCAGCCATTGGAGTCCTCTTGCCCAGCCATCAACTTCTCCACTTCGTCTTCTGTCAG[C>A]CTCTCACCTGGCAGGAGTGGGAGGCTGAGTCAGCACCGTGCGTGCAGAGGCATGATGGGG-3'
Protein context (NP_000249.1, residues 153-173): LRHVLATLGE[Arg163Ser]LTEDEVEKLM

ClinVar aggregate classification (germline): Uncertain significance (1 of 4 stars; one submission).

Conditions:
Hypertrophic cardiomyopathy 8. Also called: CARDIOMYOPATHY, HYPERTROPHIC, MID-LEFT VENTRICULAR CHAMBER TYPE, 1; MYL3-Related Familial Hypertrophic Cardiomyopathy. Identifiers: MedGen C1837471, MONDO:0012111, OMIM 608751.

Submission:

Juno Genomics, Hangzhou Juno Genomics, Inc
Classification: Uncertain significance for Hypertrophic cardiomyopathy 8. Review status: criteria provided, single submitter. Criteria: ACMG Guidelines, 2015. Collection method: clinical testing. Allele origin: germline.
Comment: Absent from controls (or at extremely low frequency if recessive) in Genome Aggregation Database.